The following is an entry in ClinVar:

ClinVar aggregate classification (germline): Uncertain significance (1 of 4 stars; one submission).

Submission:

GeneDx
Classification: Uncertain significance. Last evaluated: 2024-01-14. Review status: criteria provided, single submitter. Criteria: GeneDx Variant Classification Process June 2021. Collection method: clinical testing. Allele origin: germline. Affected: yes.
Comment: Not observed at significant frequency in large population cohorts (gnomAD); Has not been previously published as pathogenic or benign to our knowledge; Frameshift variant predicted to result in protein truncation or nonsense mediated decay in a gene for which loss-of-function is not a known mechanism of disease

NM_006521.6(TFE3):c.127_128del (p.Leu43fs)

Gene: TFE3 (transcription factor binding to IGHM enhancer 3; minus strand). Cytogenetic location: Xp11.23.
Variant type: Deletion.
Coding change: c.127_128del on transcript NM_006521.6 (MANE Select); coding-DNA positions 127 to 128, 2 bases deleted (TT; older notation c.127_128delTT).
Protein change: p.Leu43fs; shifts the reading frame from leucine 43.
Molecular consequence: frameshift variant. On other transcripts: 5 prime UTR variant (1).
Genome position (GRCh38, 1-based): chrX:49,040,557-49,040,558, AA deleted on the plus strand (TT on the coding strand, the reverse complement: TFE3 is on the minus strand); deleting any 2 consecutive bases within chrX:49,040,557-49,040,559 gives the same sequence; the c. name uses the placement nearest the transcript's 3' end. VCF-style (leftmost placement, unchanged base first): chrX-49040556-CAA-C. GRCh37 (hg19) VCF-style: chrX-48898083-CAA-C.
Other names: c.-124_-123del (NM_001282142.2); short protein forms L43fs.
Identifiers: ClinVar variation 3367955 (VCV003367955.1).